The following is an entry in ClinVar:

ClinVar aggregate classification (germline): Uncertain significance (1 of 4 stars; one submission).

Conditions:
Myopathy, centronuclear, 2 (CNM2). Also called: MYOTUBULAR MYOPATHY, AUTOSOMAL RECESSIVE. Identifiers: Orphanet 169186, MedGen CN031787, MONDO:0009709, OMIM 255200.

Allele frequency attached by ClinVar (database versions not stated): gnomAD exomes below 0.00001; ESP Exome Variant Server 0.00008.
gnomAD v4.1: 2 of 1,613,508 alleles (0.00012%); highest among the groups gnomAD compares: Non-Finnish European, 0.00017%; no homozygotes.

Submission:

Labcorp Genetics (formerly Invitae), Labcorp
Classification: Uncertain significance for Myopathy, centronuclear, 2. Last evaluated: 2022-07-12. Review status: criteria provided, single submitter. Criteria: Invitae Variant Classification Sherloc (09022015). Collection method: clinical testing. Allele origin: germline.
Comment: This sequence change replaces aspartic acid, which is acidic and polar, with asparagine, which is neutral and polar, at codon 570 of the BIN1 protein (p.Asp570Asn). This variant is not present in population databases (gnomAD no frequency). This variant has not been reported in the literature in individuals affected with BIN1-related conditions. ClinVar contains an entry for this variant (Variation ID: 461708). Algorithms developed to predict the effect of missense changes on protein structure and function are either unavailable or do not agree on the potential impact of this missense change (SIFT: "Deleterious"; PolyPhen-2: "Probably Damaging"; Align-GVGD: "Class C0"). In summary, the available evidence is currently insufficient to determine the role of this variant in disease. Therefore, it has been classified as a Variant of Uncertain Significance.

NM_139343.3(BIN1):c.1708G>A (p.Asp570Asn)

Gene: BIN1 (bridging integrator 1; minus strand). Cytogenetic location: 2q14.3.
Variant type: single nucleotide variant.
Coding change: c.1708G>A on transcript NM_139343.3 (MANE Select); coding-DNA position 1708, G replaced by A.
Protein change: p.Asp570Asn; replaces aspartic acid 570 with asparagine.
Molecular consequence: missense variant.
Genome position (GRCh38, 1-based): chr2:127,048,600, C>T on the plus strand (G>A on the coding strand, the complement: BIN1 is on the minus strand). VCF-style: chr2-127048600-C-T. GRCh37 (hg19) VCF-style: chr2-127806176-C-T.
Other names: c.1201G>A, p.Asp401Asn (NM_001320632.2); c.1339G>A, p.Asp447Asn (NM_001320633.2); c.1084G>A, p.Asp362Asn (NM_001320634.1); c.1468G>A, p.Asp490Asn (NM_001320640.2); c.1615G>A, p.Asp539Asn (NM_001320641.2); c.1627G>A, p.Asp543Asn (NM_001320642.1); c.1291G>A, p.Asp431Asn (NM_004305.4); c.1579G>A, p.Asp527Asn (NM_139344.3); and 7 more; short protein forms D570N, D401N, D452N, D459N, D539N, D362N, D416N, D431N.
Identifiers: ClinVar variation 461708 (VCV000461708.8), dbSNP rs368983991, ClinGen allele CA55335014.